The following is an entry in ClinVar:

NM_153704.6(TMEM67):c.758G>A (p.Cys253Tyr)

Gene: TMEM67 (transmembrane protein 67; plus strand). Cytogenetic location: 8q22.1.
Variant type: single nucleotide variant.
Coding change: c.758G>A on transcript NM_153704.6 (MANE Select); coding-DNA position 758, G replaced by A.
Protein change: p.Cys253Tyr; replaces cysteine 253 with tyrosine.
Molecular consequence: missense variant. On other transcripts: non-coding transcript variant (1).
Genome position (GRCh38, 1-based): chr8:93,780,636, G>A. VCF-style: chr8-93780636-G-A. GRCh37 (hg19) VCF-style: chr8-94792864-G-A.
Other names: c.515G>A, p.Cys172Tyr (NM_001142301.1); short protein forms C172Y, C253Y.
Identifiers: ClinVar variation 1337715 (VCV001337715.4), dbSNP rs765536334, ClinGen allele CA4807766.

ClinVar aggregate classification (germline): Likely pathogenic (1 of 4 stars; one submission).

Allele frequency attached by ClinVar (database versions not stated): ExAC 0.00001; gnomAD exomes below 0.00001.
gnomAD v4.1: 2 of 1,614,106 alleles (0.00012%); highest among the groups gnomAD compares: Non-Finnish European, 0.00017%; no homozygotes.

Submission:

Genetic Services Laboratory, University of Chicago
Classification: Likely pathogenic. Last evaluated: 2020-09-14. Review status: criteria provided, single submitter. Criteria: ACMG Guidelines, 2015. Collection method: clinical testing. Allele origin: germline. Affected: yes.
Comment: DNA sequence analysis of the TMEM67 gene demonstrated a sequence change, c.758G>A, in exon 8 that results in an amino acid change, p.Cys253Tyr. This sequence change does not appear to have been previously described in patients with TMEM67-related disorders. However, the p.Cys253Tyr amino acid change occurs in a region of the TMEM67 gene where other missense sequence changes have been described in patients with TMEM67-related disorders (PMIDs: 21493627, 17397051, 19574260). This p.Cys253Tyr change has been described in the gnomAD database with a low overall population frequency of 0.0004% and a frequency of 0.0009% in the non-Finnish European sub group (dbSNP rs765536334). It affects a highly conserved amino acid residue located in a domain of the TMEM67 protein that is known to be functional. The p.Cys253Tyr substitution appears to be deleterious using three in-silico pathogenicity prediction tools (SIFT, PolyPhen2, REVEL), but benign using Align GVGD. Collectively these evidence suggests that, the p.Cys253Tyr change is likely pathogenic, however functional studies have not been performed to prove this conclusively.